The following is an entry in ClinVar:

NM_004415.4(DSP):c.6851G>A (p.Arg2284Gln)

Gene: DSP (desmoplakin; plus strand). Cytogenetic location: 6p24.3.
Variant type: single nucleotide variant.
Coding change: c.6851G>A on transcript NM_004415.4 (MANE Select); coding-DNA position 6851, G replaced by A.
Protein change: p.Arg2284Gln; replaces arginine 2284 with glutamine.
Molecular consequence: missense variant.
Genome position (GRCh38, 1-based): chr6:7,584,113, G>A. VCF-style: chr6-7584113-G-A. GRCh37 (hg19) VCF-style: chr6-7584346-G-A.
Other names: c.5054G>A, p.Arg1685Gln (NM_001008844.3); c.5522G>A, p.Arg1841Gln (NM_001319034.2); short protein forms R1685Q, R1841Q, R2284Q.
Identifiers: ClinVar variation 2169814 (VCV002169814.6), dbSNP rs1273566858, ClinGen allele CA362691699.

ClinVar aggregate classification (germline): Conflicting classifications of pathogenicity. Review status: criteria provided, conflicting classifications (1 of 4 stars). 2 submissions from 2 submitters: Uncertain significance (1); Likely benign (1). Last evaluated 2024-12-10.

Conditions:
Arrhythmogenic right ventricular dysplasia 8 (ARVD8). Also called: Arrhythmogenic Right Ventricular Dysplasia/Cardiomyopathy 8; ARRHYTHMOGENIC RIGHT VENTRICULAR DYSPLASIA, FAMILIAL, 8; ARRHYTHMOGENIC RIGHT VENTRICULAR CARDIOMYOPATHY 8. Identifiers: MedGen C1843896, MONDO:0011831, OMIM 607450.
Arrhythmogenic cardiomyopathy with wooly hair and keratoderma. Also called: PALMOPLANTAR KERATODERMA WITH LEFT VENTRICULAR CARDIOMYOPATHY AND WOOLLY HAIR; Carvajal syndrome; Dilated cardiomyopathy with woolly hair and keratoderma; Arrhythmogenic cardiomyopathy with woolly hair and keratoderma. Identifiers: Orphanet 65282, MedGen C1854063, MONDO:0011581, OMIM 605676.
Cardiomyopathy (CMYO). Also called: Cardiomyopathies. Identifiers: Orphanet 167848, MedGen C0878544, MONDO:0004994, HP:0001638. Inheritance: Various modes of inheritance.

Allele frequency attached by ClinVar (database versions not stated): TOPMed below 0.00001; gnomAD exomes 0.00001.
gnomAD v4.1: 19 of 1,614,056 alleles (0.0012%); highest among the groups gnomAD compares: Non-Finnish European, 0.0014%; 1 homozygote.

Submissions (2):

Labcorp Genetics (formerly Invitae), Labcorp
Classification: Likely benign for Arrhythmogenic cardiomyopathy with wooly hair and keratoderma; Arrhythmogenic right ventricular dysplasia 8. Last evaluated: 2024-12-10. Review status: criteria provided, single submitter. Criteria: Invitae Variant Classification Sherloc (09022015). Collection method: clinical testing. Allele origin: germline.

Color Diagnostics, LLC DBA Color Health
Classification: Uncertain significance for Cardiomyopathy. Last evaluated: 2023-02-27. Review status: criteria provided, single submitter. Criteria: ACMG Guidelines, 2015. Collection method: clinical testing. Allele origin: germline.
Comment: This missense variant replaces arginine with glutamine at codon 2284 of the DSP protein. Computational prediction suggests that this variant may not impact protein structure and function (internally defined REVEL score threshold <= 0.5, PMID: 27666373). To our knowledge, functional studies have not been reported for this variant. This variant has not been reported in individuals affected with DSP-related disorders in the literature. This variant has been identified in 2/251486 chromosomes in the general population by the Genome Aggregation Database (gnomAD). The available evidence is insufficient to determine the role of this variant in disease conclusively. Therefore, this variant is classified as a Variant of Uncertain Significance.